The following is an entry in ClinVar:

NM_001319074.4(RAX2):c.-51C>G

Gene: RAX2 (retina and anterior neural fold homeobox 2; minus strand). Cytogenetic location: 19p13.3.
Variant type: single nucleotide variant.
Coding change: c.-51C>G on transcript NM_001319074.4 (MANE Select); 51 bases upstream of the start codon, C replaced by G.
Molecular consequence: 5 prime UTR variant. On other transcripts: intron variant (1).
Genome position (GRCh38, 1-based): chr19:3,771,793, G>C on the plus strand (C>G on the coding strand, the complement: RAX2 is on the minus strand). VCF-style: chr19-3771793-G-C. GRCh37 (hg19) VCF-style: chr19-3771791-G-C.
Other names: c.-9-42C>G (NM_032753.4).
Identifiers: ClinVar variation 4981880 (VCV004981880.1).
Genomic context (GRCh38, chr19:3,771,793, plus strand): 5'-TCAGGAACATGGCTCCCACCTGGTGGGACGGCAGCGGGACAGATGGTGGGGAGACGGCTG[G>C]GGGGGCTACCGGCAGGGACAGGGCAGGGGAGCCCCAGGCTTGCCTCCCGGCTCCGGGGAA-3'

ClinVar aggregate classification (germline): Uncertain significance (1 of 4 stars; one submission).

Conditions:
RAX2-related disorder. Also called: RAX2-related disorders; RAX2-related condition.

Submission:

PreventionGenetics, part of Exact Sciences
Classification: Uncertain significance for RAX2-related condition. Last evaluated: 2025-12-14. Review status: criteria provided, single submitter. Criteria: ACMG Guidelines, 2015. Collection method: clinical testing. Allele origin: germline.
Comment: The RAX2 c.88C>G variant is predicted to result in the amino acid substitution p.Pro30Ala. To our knowledge, this variant has not been reported in the literature. This variant is reported in 0.025% of alleles in individuals of African descent in gnomAD. At this time, the clinical significance of this variant is uncertain due to the absence of conclusive functional and genetic evidence.